The following is an entry in ClinVar:

NM_006648.4(WNK2):c.1717G>T (p.Val573Phe)

Gene: WNK2 (WNK lysine deficient protein kinase 2; plus strand). Cytogenetic location: 9q22.31.
Variant type: single nucleotide variant.
Coding change: c.1717G>T on transcript NM_006648.4 (MANE Select); coding-DNA position 1717, G replaced by T.
Protein change: p.Val573Phe; replaces valine 573 with phenylalanine.
Molecular consequence: missense variant.
Genome position (GRCh38, 1-based): chr9:93,247,717, G>T. VCF-style: chr9-93247717-G-T. GRCh37 (hg19) VCF-style: chr9-96009999-G-T.
Other names: c.1717G>T, p.Val573Phe (NM_001282394.3); short protein forms V573F.
Identifiers: ClinVar variation 3816984 (VCV003816984.1).
Genomic context (GRCh38, chr9:93,247,717, plus strand): 5'-AAGGAGCAGCAGGATGTGGGCAGCCCGGACAAGGCCAGGGGTCCGCCGGTGCCCCTGCAG[G>T]TCCAGGTGACCTACCATGCACAGGCTGGGCAGCCCGGGCCACCAGAGCCCGAGGAGCCGG-3'
Protein context (NP_006639.3, residues 563-583): KARGPPVPLQ[Val573Phe]QVTYHAQAGQ

ClinVar aggregate classification (germline): Uncertain significance (1 of 4 stars; one submission).

gnomAD v4.1: 1 of 1,560,432 alleles (0.000064%); highest among the groups gnomAD compares: South Asian, 0.0012%; no homozygotes.

Submission:

Ambry Genetics
Classification: Uncertain significance. Last evaluated: 2025-02-03. Review status: criteria provided, single submitter. Criteria: Ambry Variant Classification Scheme 2023. Collection method: clinical testing. Allele origin: germline.
Comment: The p.V573F variant (also known as c.1717G>T), located in coding exon 7 of the WNK2 gene, results from a G to T substitution at nucleotide position 1717. The valine at codon 573 is replaced by phenylalanine, an amino acid with highly similar properties. This amino acid position is conserved. In addition, the in silico prediction for this alteration is inconclusive. Based on the available evidence, the clinical significance of this variant remains unclear.